The following is an entry in ClinVar:

ClinVar aggregate classification (germline): Uncertain significance (1 of 4 stars; one submission).

Conditions:
Cardiovascular phenotype. Identifiers: MedGen CN230736.

Allele frequency attached by ClinVar (database versions not stated): gnomAD exomes below 0.00001; ExAC 0.00001.
gnomAD v4.1: 2 of 1,613,104 alleles (0.00012%); highest among the groups gnomAD compares: Admixed American, 0.0017%; no homozygotes.

Submission:

Ambry Genetics
Classification: Uncertain significance for Cardiovascular phenotype. Last evaluated: 2021-10-12. Review status: criteria provided, single submitter. Criteria: Ambry Variant Classification Scheme 2023. Collection method: clinical testing. Allele origin: germline.
Comment: The p.V1713I variant (also known as c.5137G>A), located in coding exon 36 of the LAMA4 gene, results from a G to A substitution at nucleotide position 5137. The valine at codon 1713 is replaced by isoleucine, an amino acid with highly similar properties. This amino acid position is conserved. In addition, the in silico prediction for this alteration is inconclusive. Since supporting evidence is limited at this time, the clinical significance of this alteration remains unclear.

NM_001105206.3(LAMA4):c.5158G>A (p.Val1720Ile)

Gene: LAMA4 (laminin subunit alpha 4; minus strand). Cytogenetic location: 6q21.
Variant type: single nucleotide variant.
Coding change: c.5158G>A on transcript NM_001105206.3 (MANE Select); coding-DNA position 5158, G replaced by A.
Protein change: p.Val1720Ile; replaces valine 1720 with isoleucine.
Molecular consequence: missense variant.
Genome position (GRCh38, 1-based): chr6:112,114,711, C>T on the plus strand (G>A on the coding strand, the complement: LAMA4 is on the minus strand). VCF-style: chr6-112114711-C-T. GRCh37 (hg19) VCF-style: chr6-112435914-C-T.
Other names: c.5137G>A, p.Val1713Ile (NM_001105207.3, NM_002290.5); short protein forms V1720I, V1713I.
Identifiers: ClinVar variation 1745579 (VCV001745579.2), dbSNP rs782384533, ClinGen allele CA3964802.